The following is an entry in ClinVar:

ClinVar aggregate classification (germline): Likely benign (1 of 4 stars; one submission).

gnomAD v4.1: 1 of 1,608,828 alleles (0.000062%); highest among the groups gnomAD compares: Non-Finnish European, 0.000085%; no homozygotes.

Submission:

Mayo Clinic Laboratories, Mayo Clinic
Classification: Likely benign. Last evaluated: 2025-10-27. Review status: criteria provided, single submitter. Criteria: ACMG Guidelines, 2015. Collection method: clinical testing. Allele origin: germline. Observed: 1 variant allele.
Comment: BP4, BP7, PM2_supporting

NM_001261826.3(AP3D1):c.3553-6A>C

Gene: AP3D1 (adaptor related protein complex 3 subunit delta 1; minus strand). Cytogenetic location: 19p13.3.
Variant type: single nucleotide variant.
Coding change: c.3553-6A>C on transcript NM_001261826.3 (MANE Select); 6 bases into the intron before coding-DNA position 3553, A replaced by C.
Molecular consequence: intron variant.
Genome position (GRCh38, 1-based): chr19:2,102,274, T>G on the plus strand (A>C on the coding strand, the complement: AP3D1 is on the minus strand). VCF-style: chr19-2102274-T-G. GRCh37 (hg19) VCF-style: chr19-2102273-T-G.
Other names: p.?; c.3367-6A>C (NM_003938.8); c.3517-6A>C (NM_001374799.1).
Identifiers: ClinVar variation 4684294 (VCV004684294.1).